The following is an entry in ClinVar:

ClinVar aggregate classification (germline): Likely benign. Review status: criteria provided, multiple submitters, no conflicts (2 of 4 stars). 5 submissions from 5 submitters: Likely benign (2). 3 of the submissions do not count toward it. Last evaluated 2026-06-01.

Conditions:
NCAPG2-related disorder. Also called: NCAPG2-related condition.

Allele frequency attached by ClinVar (database versions not stated): 1000 Genomes Project 0.00140; 1000 Genomes Project 30x 0.00141; gnomAD 0.00274 and 0.00290; TOPMed 0.00304; gnomAD exomes 0.00311; ExAC 0.00342; ESP Exome Variant Server 0.00378.
gnomAD v4.1: 5,789 of 1,604,830 alleles (0.36%); highest among the groups gnomAD compares: Middle Eastern, 0.55%; 17 homozygotes.

Submissions (5):

CeGaT Center for Human Genetics Tuebingen
Classification: Likely benign. Last evaluated: 2026-06-01. Review status: criteria provided, single submitter. Criteria: CeGaT Center For Human Genetics Tuebingen Variant Classification Criteria Version 2. Collection method: clinical testing. Allele origin: germline. Affected: yes. Observed: 12 variant alleles.
Comment: NCAPG2: BP4, BS2

Blueprint Genetics
Classification: Likely benign. Last evaluated: 2024-11-06. Review status: criteria provided, single submitter. Criteria: ACMG Guidelines, 2015. Collection method: clinical testing. Allele origin: germline.

PreventionGenetics, part of Exact Sciences
Classification: Likely benign for NCAPG2-related condition. Last evaluated: 2019-07-11. Review status: no assertion criteria provided. Collection method: clinical testing. Allele origin: germline. Not counted in ClinVar's aggregate classification.
Comment: This variant is classified as likely benign based on ACMG/AMP sequence variant interpretation guidelines (Richards et al. 2015 PMID: 25741868, with internal and published modifications).

Clinical Genetics DNA and cytogenetics Diagnostics Lab, Erasmus MC, Erasmus Medical Center
Classification: Likely benign. Review status: no assertion criteria provided. Collection method: clinical testing. Allele origin: germline. Affected: yes. Study: VKGL Data-share Consensus. Not counted in ClinVar's aggregate classification.

Genome Diagnostics Laboratory, University Medical Center Utrecht
Classification: Benign. Review status: no assertion criteria provided. Collection method: clinical testing. Allele origin: germline. Affected: yes. Study: VKGL Data-share Consensus. Not counted in ClinVar's aggregate classification.

NM_017760.7(NCAPG2):c.1147-7C>T

Gene: NCAPG2 (non-SMC condensin II complex subunit G2; minus strand). Cytogenetic location: 7q36.3.
Variant type: single nucleotide variant.
Coding change: c.1147-7C>T on transcript NM_017760.7 (MANE Select); 7 bases into the intron before coding-DNA position 1147, C replaced by T.
Molecular consequence: intron variant.
Genome position (GRCh38, 1-based): chr7:158,675,663, G>A on the plus strand (C>T on the coding strand, the complement: NCAPG2 is on the minus strand). VCF-style: chr7-158675663-G-A. GRCh37 (hg19) VCF-style: chr7-158468355-G-A.
Other names: c.1147-7C>T (NM_001281932.2, NM_001281933.2, NM_001281933.1).
Identifiers: ClinVar variation 1299833 (VCV001299833.27), dbSNP rs144010950, ClinGen allele CA4592902.
Genomic context (GRCh38, chr7:158,675,663, plus strand): 5'-AACACCAAGGATCCCTGTGGAACGGACCATCGGGTAAGGATCTTCTAAAAGGCTCTATAA[G>A]TAGGAGGGGAGAAAGGCTTAAAAACCTTGACTTATTTCCCGAAATCCACATCTGCTTCAC-3'